The following is an entry in ClinVar:

NM_024733.5(ZNF665):c.1383T>C (p.Asn461=)

Gene: ZNF665 (zinc finger protein 665; minus strand). Cytogenetic location: 19q13.42.
Variant type: single nucleotide variant.
Coding change: c.1383T>C on transcript NM_024733.5 (MANE Select); coding-DNA position 1383, T replaced by C.
Protein change: p.Asn461=; no amino-acid change (asparagine 461 retained).
Molecular consequence: synonymous variant.
Genome position (GRCh38, 1-based): chr19:53,165,107, A>G on the plus strand (T>C on the coding strand, the complement: ZNF665 is on the minus strand). VCF-style: chr19-53165107-A-G. GRCh37 (hg19) VCF-style: chr19-53668360-A-G.
Other names: c.1377T>C, p.Asn459= (NM_001353457.2); c.1467T>C, p.Asn489= (NM_001353458.2); c.1383T>C, p.Asn461= (NM_001353459.2).
Identifiers: ClinVar variation 3026782 (VCV003026782.22), dbSNP rs2146831666, ClinGen allele CA508845392.

ClinVar aggregate classification (germline): Likely benign (1 of 4 stars; one submission).

Submission:

CeGaT Center for Human Genetics Tuebingen
Classification: Likely benign. Last evaluated: 2024-03-01. Review status: criteria provided, single submitter. Criteria: CeGaT Center For Human Genetics Tuebingen Variant Classification Criteria Version 2. Collection method: clinical testing. Allele origin: germline. Affected: yes. Observed: 1 variant allele.
Comment: ZNF665: PM2:Supporting, BP4, BP7